The following is an entry in ClinVar:

ClinVar aggregate classification (germline): Uncertain significance (1 of 4 stars; one submission).

Submission:

CeGaT Center for Human Genetics Tuebingen
Classification: Uncertain significance. Last evaluated: 2026-06-01. Review status: criteria provided, single submitter. Criteria: CeGaT Center For Human Genetics Tuebingen Variant Classification Criteria Version 2. Collection method: clinical testing. Allele origin: germline. Affected: yes. Observed: 1 variant allele.
Comment: DCTN1: PM2, BP4

NM_004082.5(DCTN1):c.1855-6C>T

Gene: DCTN1 (dynactin subunit 1; minus strand). Cytogenetic location: 2p13.1.
Variant type: single nucleotide variant.
Coding change: c.1855-6C>T on transcript NM_004082.5 (MANE Select); 6 bases into the intron before coding-DNA position 1855, C replaced by T.
Molecular consequence: intron variant.
Genome position (GRCh38, 1-based): chr2:74,368,137, G>A on the plus strand (C>T on the coding strand, the complement: DCTN1 is on the minus strand). VCF-style: chr2-74368137-G-A. GRCh37 (hg19) VCF-style: chr2-74595264-G-A.
Other names: c.1744-6C>T (NM_001190836.2); c.1786-6C>T (NM_001378992.1); c.1804-6C>T (NM_001378991.1); c.1795-6C>T (NM_001135040.3); c.1834-6C>T (NM_001190837.2); c.1453-6C>T (NM_001135041.3, NM_023019.4).
Identifiers: ClinVar variation 4875284 (VCV004875284.2).